The following is an entry in ClinVar:

ClinVar aggregate classification (germline): Likely benign (0 of 4 stars; one submission).

Conditions:
CDC5L-related disorder. Also called: CDC5L-related condition.

Allele frequency attached by ClinVar (database versions not stated): gnomAD exomes 0.00002; ExAC 0.00012; ESP Exome Variant Server 0.00023; gnomAD 0.00028; TOPMed 0.00033.
gnomAD v4.1: 85 of 1,614,050 alleles (0.0053%); highest among the groups gnomAD compares: African/African-American, 0.1%; no homozygotes.

Submission:

PreventionGenetics, part of Exact Sciences
Classification: Likely benign for CDC5L-related condition. Last evaluated: 2020-10-06. Review status: no assertion criteria provided. Collection method: clinical testing. Allele origin: germline.
Comment: This variant is classified as likely benign based on ACMG/AMP sequence variant interpretation guidelines (Richards et al. 2015 PMID: 25741868, with internal and published modifications).

NM_001253.4(CDC5L):c.1140A>G (p.Lys380=)

Gene: CDC5L (cell division cycle 5 like; plus strand). Cytogenetic location: 6p21.1.
Variant type: single nucleotide variant.
Coding change: c.1140A>G on transcript NM_001253.4 (MANE Select); coding-DNA position 1140, A replaced by G.
Protein change: p.Lys380=; no amino-acid change (lysine 380 retained).
Molecular consequence: synonymous variant.
Genome position (GRCh38, 1-based): chr6:44,419,496, A>G. VCF-style: chr6-44419496-A-G. GRCh37 (hg19) VCF-style: chr6-44387233-A-G.
Identifiers: ClinVar variation 3048800 (VCV003048800.2), dbSNP rs144752067, ClinGen allele CA3835376.